The following is an entry in ClinVar:

ClinVar aggregate classification (germline): Benign/Likely benign. Review status: criteria provided, multiple submitters, no conflicts (2 of 4 stars). 5 submissions from 5 submitters: Benign (2); Likely benign (2). 1 of the submissions does not count toward it. Last evaluated 2025-11-25.

Conditions:
Dystrophin deficiency.
Duchenne muscular dystrophy (DMD). Also called: MUSCULAR DYSTROPHY, PSEUDOHYPERTROPHIC PROGRESSIVE, DUCHENNE TYPE; Duchenne Muscular Dystrophy (DMD). Identifiers: Orphanet 98896, MedGen C0013264, MONDO:0010679, OMIM 310200.
Cardiomyopathy (CMYO). Also called: Cardiomyopathies. Identifiers: Orphanet 167848, MedGen C0878544, MONDO:0004994, HP:0001638. Inheritance: Various modes of inheritance.
Becker muscular dystrophy (BMD). Also called: MUSCULAR DYSTROPHY, PSEUDOHYPERTROPHIC PROGRESSIVE, BECKER TYPE; Becker Muscular Dystrophy (BMD). Identifiers: Orphanet 98895, MedGen C0917713, MONDO:0010311, OMIM 300376.

Allele frequency attached by ClinVar (database versions not stated): gnomAD 0.00474 and 0.00503; TOPMed 0.00508; 1000 Genomes Project 0.00609; 1000 Genomes Project 30x 0.00624.

Submissions (5):

Women's Health and Genetics/Laboratory Corporation of America, LabCorp
Classification: Likely benign. Last evaluated: 2025-11-25. Review status: criteria provided, single submitter. Criteria: LabCorp Variant Classification Summary - May 2015. Collection method: clinical testing. Allele origin: germline.

Blueprint Genetics
Classification: Likely benign. Last evaluated: 2024-09-09. Review status: criteria provided, single submitter. Criteria: ACMG Guidelines, 2015. Collection method: clinical testing. Allele origin: germline.

ARUP Laboratories, Molecular Genetics and Genomics, ARUP Laboratories
Classification: Benign. Last evaluated: 2023-11-06. Review status: criteria provided, single submitter. Criteria: ARUP Molecular Germline Variant Investigation Process 2024. Collection method: clinical testing. Allele origin: germline.

GeneDx
Classification: Benign. Last evaluated: 2014-04-28. Review status: criteria provided, single submitter. Criteria: GeneDx Variant Classification (06012015). Collection method: clinical testing. Allele origin: germline. Affected: yes.
Comment: This variant is considered likely benign or benign based on one or more of the following criteria: it is a conservative change, it occurs at a poorly conserved position in the protein, it is predicted to be benign by multiple in silico algorithms, and/or has population frequency not consistent with disease.

Natera, Inc.
Classification: Likely benign for Becker muscular dystrophy; Cardiomyopathy; Duchenne muscular dystrophy; Dystrophin deficiency. Last evaluated: 2017-04-21. Review status: no assertion criteria provided. Collection method: clinical testing. Allele origin: germline. Not counted in ClinVar's aggregate classification.

NM_004006.3(DMD):c.9225-645T>C

Gene: DMD (dystrophin; minus strand). Cytogenetic location: Xp21.2.
Variant type: single nucleotide variant.
Coding change: c.9225-645T>C on transcript NM_004006.3 (MANE Select); 645 bases into the intron before coding-DNA position 9225, T replaced by C.
Molecular consequence: intron variant.
Genome position (GRCh38, 1-based): chrX:31,261,661, A>G on the plus strand (T>C on the coding strand, the complement: DMD is on the minus strand). VCF-style: chrX-31261661-A-G. GRCh37 (hg19) VCF-style: chrX-31279778-A-G.
Other names: c.9201-645T>C (NM_000109.4); c.5202-645T>C (NM_004011.4); c.5193-645T>C (NM_004012.4); c.1845-645T>C (NM_004023.3, NM_004020.4, NM_004022.3 and 2 more transcripts); c.1038-645T>C (NM_004014.3); c.21-645T>C (NM_004018.3, NM_004017.3, NM_004016.3 and 2 more transcripts); c.9213-645T>C (NM_004009.3); c.8856-645T>C (NM_004010.3).
Identifiers: ClinVar variation 137107 (VCV000137107.5), dbSNP rs73617065, ClinGen allele CA290625.